The following is an entry in ClinVar:

ClinVar aggregate classification (germline): Likely benign (1 of 4 stars; one submission).

Submission:

CeGaT Center for Human Genetics Tuebingen
Classification: Likely benign. Last evaluated: 2023-10-01. Review status: criteria provided, single submitter. Criteria: CeGaT Center For Human Genetics Tuebingen Variant Classification Criteria Version 2. Collection method: clinical testing. Allele origin: germline. Affected: yes. Observed: 1 variant allele.
Comment: LONP1: PM2:Supporting, BP4, BP7

NM_004793.4(LONP1):c.255C>T (p.Ala85=)

Gene: LONP1 (lon peptidase 1, mitochondrial; minus strand). Cytogenetic location: 19p13.3.
Variant type: single nucleotide variant.
Coding change: c.255C>T on transcript NM_004793.4 (MANE Select); coding-DNA position 255, C replaced by T.
Protein change: p.Ala85=; no amino-acid change (alanine 85 retained).
Molecular consequence: synonymous variant. On other transcripts: intron variant (2).
Genome position (GRCh38, 1-based): chr19:5,719,878, G>A on the plus strand (C>T on the coding strand, the complement: LONP1 is on the minus strand). VCF-style: chr19-5719878-G-A. GRCh37 (hg19) VCF-style: chr19-5719889-G-A.
Other names: c.-160+341C>T (NM_001276480.1); c.125-62C>T (NM_001276479.2).
Identifiers: ClinVar variation 2649125 (VCV002649125.24), dbSNP rs2512442668, ClinGen allele CA505180930.